The following is an entry in ClinVar:

NM_001042492.3(NF1):c.6915_6916insTTTTTTTTTTTTTTTTTTTTNNNNNNNNNNCTCATGATCCACCCGCCTCGGCCTCCCAACGTGCTGGGATTACAGGCGTGAGCCACCGCGCCCGGCCTACAGCCACTTCTT (p.Asn2306delinsPhePhePhePhePhePheXaaXaaXaaXaaLeuMetIleHisProProArgProProAsnValLeuGlyLeuGlnAlaTer)

Gene: NF1 (neurofibromin 1; plus strand). Cytogenetic location: 17q11.2.
Variant type: Insertion.
Coding change: c.6915_6916insTTTTTTTTTTTTTTTTTTTTNNNNNNNNNNCTCATGATCCACCCGCCTCGGCCTCCCAACGTGCTGGGATTACAGGCGTGAGCCACCGCGCCCGGCCTACAGCCACTTCTT on transcript NM_001042492.3 (MANE Select); coding-DNA positions 6915 to 6916, TTTTTTTTTTTTTTTTTTTTNNNNNNNNNNCTCATGATCCACCCGCCTCGGCCTCCCAACGTGCTGGGATTACAGGCGTGAGCCACCGCGCCCGGCCTACAGCCACTTCTT inserted.
Protein change: p.Asn2306delinsPhePhePhePhePhePheXaaXaaXaaXaaLeuMetIleHisProProArgProProAsnValLeuGlyLeuGlnAlaTer.
Molecular consequence: nonsense.
Genome position: GRCh38: chr17:31,338,799-31,338,800. GRCh37 (hg19): chr17:29,665,817-29,665,818.
Other names: c.6852_6853insTTTTTTTTTTTTTTTTTTTTNNNNNNNNNNCTCATGATCCACCCGCCTCGGCCTCCCAACGTGCTGGGATTACAGGCGTGAGCCACCGCGCCCGGCCTACAGCCACTTCTT, p.Asn2285_Tyr2619delinsPhePhePhePhePhePheXaaXaaXaaXaaLeuMetIleHisProProArgProProAsnValLeuGlyLeuGlnAlaTer (NM_000267.4).
Identifiers: ClinVar variation 2695559 (VCV002695559.3), dbSNP rs2508763112.

ClinVar aggregate classification (germline): Pathogenic (1 of 4 stars; one submission).

Conditions:
Neurofibromatosis, type 1 (NF1). Also called: Peripheral type neurofibromatosis; VON RECKLINGHAUSEN DISEASE; Neurofibromatosis, type I; NEUROFIBROMATOSIS, TYPE I, SOMATIC. Identifiers: Orphanet 636, MedGen C0027831, MONDO:0018975, OMIM 162200. Disease mechanism: loss of function.

Submission:

Labcorp Genetics (formerly Invitae), Labcorp
Classification: Pathogenic for Neurofibromatosis, type 1. Last evaluated: 2023-11-13. Review status: criteria provided, single submitter. Criteria: Invitae Variant Classification Sherloc (09022015). Collection method: clinical testing. Allele origin: germline.
Comment: This sequence change inserts a large fragment of DNA, likely a transposable element, in exon 45 of the NF1 gene (c.6852_6853ins?), causing a frameshift at codon 2285 (p.Asn2285fs). The exact size and sequence of the insertion cannot be determined by the current assay. However, the insertion is expected to result in an absent or disrupted protein product. This variant is not present in population databases (gnomAD no frequency). This variant has not been reported in the literature in individuals affected with NF1-related conditions. Retrotransposon insertions including LINE1 (L1), Alu, and SVA (SINE-VNTR-Alu) have been reported to be disease-causing through disruption of either a coding region or splice site (PMID: 19763152, 20307669, 22406018) and loss-of-function variants in NF1 are known to be pathogenic (PMID: 10712197, 23913538). For these reasons, this variant has been classified as Pathogenic.

Literature cited by the submitters: PubMed 19763152; PubMed 20307669; PubMed 22406018; PubMed 10712197; PubMed 23913538.